The following is an entry in ClinVar:

ClinVar aggregate classification (germline): Likely benign (0 of 4 stars; one submission).

Conditions:
RALGAPA1-related disorder. Also called: RALGAPA1-related condition.

gnomAD v4.1: 35 of 1,614,042 alleles (0.0022%); highest among the groups gnomAD compares: Middle Eastern, 0.016%; no homozygotes.

Submission:

PreventionGenetics, part of Exact Sciences
Classification: Likely benign for RALGAPA1-related condition. Last evaluated: 2022-10-31. Review status: no assertion criteria provided. Collection method: clinical testing. Allele origin: germline.
Comment: This variant is classified as likely benign based on ACMG/AMP sequence variant interpretation guidelines (Richards et al. 2015 PMID: 25741868, with internal and published modifications).

NM_001346249.2(RALGAPA1):c.6546T>C (p.Asp2182=)

Gene: RALGAPA1 (Ral GTPase activating protein catalytic subunit alpha 1; minus strand). Cytogenetic location: 14q13.2.
Variant type: single nucleotide variant.
Coding change: c.6546T>C on transcript NM_001346249.2 (MANE Select); coding-DNA position 6546, T replaced by C.
Protein change: p.Asp2182=; no amino-acid change (aspartic acid 2182 retained).
Molecular consequence: synonymous variant.
Genome position (GRCh38, 1-based): chr14:35,627,401, A>G on the plus strand (T>C on the coding strand, the complement: RALGAPA1 is on the minus strand). VCF-style: chr14-35627401-A-G. GRCh37 (hg19) VCF-style: chr14-36096607-A-G.
Other names: c.5067T>C, p.Asp1689= (NM_001283043.3); c.5169T>C, p.Asp1723= (NM_001283044.3, NM_001346245.2, NM_001346247.2); c.6405T>C, p.Asp2135= (NM_001330075.3, NM_001346248.2); c.5028T>C, p.Asp1676= (NM_001346243.2, NM_001346246.2, NM_014990.3 and 1 more transcripts).
Identifiers: ClinVar variation 3046688 (VCV003046688.2), dbSNP rs553742602, ClinGen allele CA7156258.